The following is an entry in ClinVar:

ClinVar aggregate classification (germline): Uncertain significance (1 of 4 stars; one submission).

Conditions:
Exostoses, multiple, type 2 (EXT2). Also called: Hereditary Multiple Osteochondromatosis, Type II; EXOSTOSES, MULTIPLE, TYPE II. Identifiers: Orphanet 321, MedGen C1851413, MONDO:0007586, OMIM 133701.

Submission:

Labcorp Genetics (formerly Invitae), Labcorp
Classification: Uncertain significance for Exostoses, multiple, type 2. Last evaluated: 2023-03-08. Review status: criteria provided, single submitter. Criteria: Invitae Variant Classification Sherloc (09022015). Collection method: clinical testing. Allele origin: germline.
Comment: In summary, the available evidence is currently insufficient to determine the role of this variant in disease. Therefore, it has been classified as a Variant of Uncertain Significance. Advanced modeling of protein sequence and biophysical properties (such as structural, functional, and spatial information, amino acid conservation, physicochemical variation, residue mobility, and thermodynamic stability) performed at Invitae indicates that this missense variant is expected to disrupt EXT2 protein function. This variant has not been reported in the literature in individuals affected with EXT2-related conditions. This variant is not present in population databases (gnomAD no frequency). This sequence change replaces proline, which is neutral and non-polar, with arginine, which is basic and polar, at codon 525 of the EXT2 protein (p.Pro525Arg).

NM_207122.2(EXT2):c.1574C>G (p.Pro525Arg)

Gene: EXT2 (exostosin glycosyltransferase 2; plus strand). Cytogenetic location: 11p11.2.
Variant type: single nucleotide variant.
Coding change: c.1574C>G on transcript NM_207122.2 (MANE Select); coding-DNA position 1574, C replaced by G.
Protein change: p.Pro525Arg; replaces proline 525 with arginine.
Molecular consequence: missense variant.
Genome position (GRCh38, 1-based): chr11:44,206,871, C>G. VCF-style: chr11-44206871-C-G. GRCh37 (hg19) VCF-style: chr11-44228421-C-G.
Other names: c.1673C>G, p.Pro558Arg (NM_000401.3); c.1604C>G, p.Pro535Arg (NM_001178083.3); c.1574C>G, p.Pro525Arg (NM_001389628.1, NM_001389630.1); short protein forms P535R, P558R, P525R.
Identifiers: ClinVar variation 2844026 (VCV002844026.3), dbSNP rs2135204813, ClinGen allele CA380181138.
Genomic context (GRCh38, chr11:44,206,871, plus strand): 5'-TCCGGGTTCCATTAAAAGTTGTGAGGACTGCTGAAAACAAGTTAAGTAACCGTTTCTTCC[C>G]TTATGATGAAATCGAGACAGAAGCTGTTCTGGCCATTGATGATGATATCATTATGCTGAC-3'
Protein context (NP_997005.1, residues 515-535): AENKLSNRFF[Pro525Arg]YDEIETEAVL